The following is an entry in ClinVar:

NM_000702.4(ATP1A2):c.2123T>A (p.Ile708Asn)

Gene: ATP1A2 (ATPase Na+/K+ transporting subunit alpha 2; plus strand). Cytogenetic location: 1q23.2.
Variant type: single nucleotide variant.
Coding change: c.2123T>A on transcript NM_000702.4 (MANE Select); coding-DNA position 2123, T replaced by A.
Protein change: p.Ile708Asn; replaces isoleucine 708 with asparagine.
Molecular consequence: missense variant.
Genome position (GRCh38, 1-based): chr1:160,135,441, T>A. VCF-style: chr1-160135441-T-A. GRCh37 (hg19) VCF-style: chr1-160105231-T-A.
Other names: short protein forms I708N.
Identifiers: ClinVar variation 583358 (VCV000583358.9), dbSNP rs1341609289, ClinGen allele CA343248869.
Genomic context (GRCh38, chr1:160,135,441, plus strand): 5'-GAGCCAGGCTTGGGAAGGGGTTTCGTCCTCAAGTGTGGCCGTCTTCCCTCCAGGGAGCCA[T>A]TGTGGCCGTGACGGGTGACGGGGTGAACGACTCCCCTGCATTGAAGAAGGCTGACATTGG-3'
Protein context (NP_000693.1, residues 698-718): IVEGCQRQGA[Ile708Asn]VAVTGDGVND

ClinVar aggregate classification (germline): Uncertain significance (1 of 4 stars; one submission).

Conditions:
Familial hemiplegic migraine. Identifiers: MedGen C0338484, MONDO:0000700.

Submission:

Labcorp Genetics (formerly Invitae), Labcorp
Classification: Uncertain significance for Familial hemiplegic migraine. Last evaluated: 2018-12-19. Review status: criteria provided, single submitter. Criteria: Invitae Variant Classification Sherloc (09022015). Collection method: clinical testing. Allele origin: germline.
Comment: In summary, the available evidence is currently insufficient to determine the role of this variant in disease. Therefore, it has been classified as a Variant of Uncertain Significance. Algorithms developed to predict the effect of missense changes on protein structure and function (SIFT, PolyPhen-2, Align-GVGD) all suggest that this variant is likely to be disruptive, but these predictions have not been confirmed by published functional studies and their clinical significance is uncertain. This variant has not been reported in the literature in individuals with ATP1A2-related disease. This variant is not present in population databases (ExAC no frequency). This sequence change replaces isoleucine with asparagine at codon 708 of the ATP1A2 protein (p.Ile708Asn). The isoleucine residue is highly conserved and there is a large physicochemical difference between isoleucine and asparagine.